The following is an entry in ClinVar:

NM_024685.4(BBS10):c.1834del (p.Tyr612fs)

Gene: BBS10 (Bardet-Biedl syndrome 10; minus strand). Cytogenetic location: 12q21.2.
Variant type: Deletion.
Coding change: c.1834del on transcript NM_024685.4 (MANE Select); coding-DNA position 1834, one base deleted (T; older notation c.1834delT).
Protein change: p.Tyr612fs; shifts the reading frame from tyrosine 612.
Molecular consequence: frameshift variant.
Genome position (GRCh38, 1-based): chr12:76,346,151, A deleted on the plus strand (T on the coding strand, the reverse complement: BBS10 is on the minus strand); the first of 2 consecutive A bases (chr12:76,346,151-76,346,152); deleting either gives the same sequence. VCF-style (leftmost placement, unchanged base first): chr12-76346150-TA-T. GRCh37 (hg19) VCF-style: chr12-76739930-TA-T.
Other names: short protein forms Y612fs.
Identifiers: ClinVar variation 1457811 (VCV001457811.9), dbSNP rs2136089858, ClinGen allele CA2573148986.

ClinVar aggregate classification (germline): Pathogenic. Review status: criteria provided, multiple submitters, no conflicts (2 of 4 stars). 2 submissions from 2 submitters: Pathogenic (2). Last evaluated 2026-07-14.

Conditions:
Bardet-Biedl syndrome 10 (BBS10). Identifiers: Orphanet 110, MedGen C1859568, MONDO:0014438, OMIM 615987.
Bardet-Biedl syndrome (BBS). Identifiers: Orphanet 110, MedGen C0752166, MONDO:0015229.

Submissions (2):

Myriad Genetics, Inc.
Classification: Pathogenic for Bardet-Biedl syndrome 10. Last evaluated: 2026-07-14. Review status: criteria provided, single submitter. Criteria: Myriad Autosomal Dominant, Autosomal Recessive and X-Linked Classification Criteria (2023). Collection method: clinical testing. Allele origin: unknown.
Comment: NM_024685.3(BBS10):c.1834delT(Y612Tfs*20) is a frameshift variant classified as pathogenic in the context of Bardet-Biedl syndrome, BBS10-related. Y612Tfs*20 has not been observed in cases with relevant disease. Relevant functional assessments of this variant are not available in the literature. Y612Tfs*20 has not been observed in referenced population frequency databases. In summary, NM_024685.3(BBS10):c.1834delT(Y612Tfs*20) is a frameshift variant in a gene where loss of function is a known mechanism of disease and is predicted to disrupt protein function. Please note: this variant was assessed in the context of healthy population screening.

Labcorp Genetics (formerly Invitae), Labcorp
Classification: Pathogenic for Bardet-Biedl syndrome. Last evaluated: 2020-12-24. Review status: criteria provided, single submitter. Criteria: Invitae Variant Classification Sherloc (09022015). Collection method: clinical testing. Allele origin: germline.
Comment: For these reasons, this variant has been classified as Pathogenic. This variant disrupts the C-terminus of the BBS10 protein. Other variant(s) that disrupt this region (p.Val707*) have been determined to be pathogenic (PMID: 20472660, 22773737, 25982971, 27486776). This suggests that variants that disrupt this region of the protein are likely to be causative of disease. This variant has not been reported in the literature in individuals with BBS10-related conditions. This variant is not present in population databases (ExAC no frequency). This sequence change creates a premature translational stop signal (p.Tyr612Thrfs*20) in the BBS10 gene. While this is not anticipated to result in nonsense mediated decay, it is expected to disrupt the last 112 amino acid(s) of the BBS10 protein.

Literature cited by the submitters: PubMed 20472660 (cited by Labcorp Genetics (formerly Invitae), Labcorp); PubMed 22773737 (cited by Labcorp Genetics (formerly Invitae), Labcorp); PubMed 25982971 (cited by Labcorp Genetics (formerly Invitae), Labcorp); PubMed 27486776 (cited by Labcorp Genetics (formerly Invitae), Labcorp).